The following is an entry in ClinVar:

NM_133497.4(KCNV2):c.756G>A (p.Lys252=)

Gene: KCNV2 (potassium voltage-gated channel modifier subfamily V member 2; plus strand). Cytogenetic location: 9p24.2.
Variant type: single nucleotide variant.
Coding change: c.756G>A on transcript NM_133497.4 (MANE Select); coding-DNA position 756, G replaced by A.
Protein change: p.Lys252=; no amino-acid change (lysine 252 retained).
Molecular consequence: synonymous variant.
Genome position (GRCh38, 1-based): chr9:2,718,495, G>A. VCF-style: chr9-2718495-G-A. GRCh37 (hg19) VCF-style: chr9-2718495-G-A.
Other names: c.756G>A (NM_133497.3).
Identifiers: ClinVar variation 290837 (VCV000290837.16), dbSNP rs138861317, ClinGen allele CA4965607.

ClinVar aggregate classification (germline): Conflicting classifications of pathogenicity. Review status: criteria provided, conflicting classifications (1 of 4 stars). 4 submissions from 4 submitters: Uncertain significance (1); Benign (1); Likely benign (2). Last evaluated 2025-12-23.

Conditions:
KCNV2-related disorder. Also called: KCNV2-related condition.

Allele frequency attached by ClinVar (database versions not stated): gnomAD exomes 0.00006 and 0.00017; 1000 Genomes Project 30x 0.00016; 1000 Genomes Project 0.00020; ExAC 0.00024; ESP Exome Variant Server 0.00055; gnomAD 0.00060 and 0.00063; TOPMed 0.00064.
gnomAD v4.1: 174 of 1,610,946 alleles (0.011%); highest among the groups gnomAD compares: African/African-American, 0.21%; 1 homozygote.

Submissions (4):

Labcorp Genetics (formerly Invitae), Labcorp
Classification: Benign. Last evaluated: 2025-12-23. Review status: criteria provided, single submitter. Criteria: Invitae Variant Classification Sherloc (09022015). Collection method: clinical testing. Allele origin: germline.

PreventionGenetics, part of Exact Sciences
Classification: Likely benign for KCNV2-related condition. Last evaluated: 2025-04-29. Review status: criteria provided, single submitter. Criteria: ACMG Guidelines, 2015. Collection method: clinical testing. Allele origin: germline.
Comment: This variant is classified as likely benign based on ACMG/AMP sequence variant interpretation guidelines (Richards et al. 2015 PMID: 25741868, with internal and published modifications).

Blueprint Genetics
Classification: Likely benign. Last evaluated: 2023-08-09. Review status: criteria provided, single submitter. Criteria: ACMG Guidelines, 2015. Collection method: clinical testing. Allele origin: germline.

Eurofins Ntd Llc (ga)
Classification: Uncertain significance. Last evaluated: 2016-09-01. Review status: criteria provided, single submitter. Criteria: EGL Classification Definitions 2015. Collection method: clinical testing. Allele origin: germline. Observed: 1 variant allele, 1 heterozygote.